The following is an entry in ClinVar:

NM_006208.3(ENPP1):c.516_517delinsGC (p.Asp172_Lys173delinsGluGln)

Gene: ENPP1 (ectonucleotide pyrophosphatase/phosphodiesterase 1; plus strand). Cytogenetic location: 6q23.2.
Variant type: Indel.
Coding change: c.516_517delinsGC on transcript NM_006208.3 (MANE Select); coding-DNA positions 516 to 517, CA replaced by GC.
Protein change: p.Asp172_Lys173delinsGluGln.
Molecular consequence: missense variant.
Genome position (GRCh38, 1-based): chr6:131,851,227-131,851,228, CA replaced by GC. VCF-style: chr6-131851227-CA-GC. GRCh37 (hg19) VCF-style: chr6-132172367-CA-GC.
Identifiers: ClinVar variation 2831660 (VCV002831660.3), dbSNP rs2483461951, ClinGen allele CA2739266144.

ClinVar aggregate classification (germline): Uncertain significance (1 of 4 stars; one submission).

Submission:

Labcorp Genetics (formerly Invitae), Labcorp
Classification: Uncertain significance. Last evaluated: 2025-10-02. Review status: criteria provided, single submitter. Criteria: Invitae Variant Classification Sherloc (09022015). Collection method: clinical testing. Allele origin: germline.
Comment: This variant, c.516_517delinsGC, is a complex sequence change that results in the deletion of 2 and insertion of 2 amino acid(s) in the ENPP1 protein (p.Asp172_Lys173delinsGluGln). Information on the frequency of this variant in the gnomAD database is not available, as this variant may be reported differently in the database. This variant has not been reported in the literature in individuals affected with ENPP1-related conditions. ClinVar contains an entry for this variant (Variation ID: 2831660). Experimental studies and prediction algorithms are not available or were not evaluated, and the functional significance of this variant is currently unknown. In summary, the available evidence is currently insufficient to determine the role of this variant in disease. Therefore, it has been classified as a Variant of Uncertain Significance.